The following is an entry in ClinVar:

ClinVar aggregate classification (germline): Uncertain significance (1 of 4 stars; one submission).

Conditions:
Familial focal epilepsy with variable foci (FPEVF). Identifiers: Orphanet 98820, MedGen C1858477, MONDO:0020310.

gnomAD v4.1: 17 of 1,613,974 alleles (0.0011%); highest among the groups gnomAD compares: Admixed American, 0.0017%; no homozygotes.

Submission:

Labcorp Genetics (formerly Invitae), Labcorp
Classification: Uncertain significance for Familial focal epilepsy with variable foci. Last evaluated: 2025-10-10. Review status: criteria provided, single submitter. Criteria: Invitae Variant Classification Sherloc (09022015). Collection method: clinical testing. Allele origin: germline.
Comment: This sequence change replaces arginine, which is basic and polar, with cysteine, which is neutral and slightly polar, at codon 1518 of the DEPDC5 protein (p.Arg1518Cys). This variant is present in population databases (rs749280358, gnomAD 0.003%). This variant has not been reported in the literature in individuals affected with DEPDC5-related conditions. Experimental studies and prediction algorithms are not available or were not evaluated, and the functional significance of this variant is currently unknown. In summary, the available evidence is currently insufficient to determine the role of this variant in disease. Therefore, it has been classified as a Variant of Uncertain Significance.

NM_001242896.3(DEPDC5):c.4552C>T (p.Arg1518Cys)

Gene: DEPDC5 (DEP domain containing 5, GATOR1 subcomplex subunit; plus strand). Cytogenetic location: 22q12.3.
Variant type: single nucleotide variant.
Coding change: c.4552C>T on transcript NM_001242896.3 (MANE Select); coding-DNA position 4552, C replaced by T.
Protein change: p.Arg1518Cys; replaces arginine 1518 with cysteine.
Molecular consequence: missense variant. On other transcripts: non-coding transcript variant (5).
Genome position (GRCh38, 1-based): chr22:31,906,237, C>T. VCF-style: chr22-31906237-C-T. GRCh37 (hg19) VCF-style: chr22-32302223-C-T.
Other names: c.4525C>T, p.Arg1509Cys (NM_001136029.4); c.4252C>T, p.Arg1418Cys (NM_001242897.2); c.4486C>T, p.Arg1496Cys (NM_001363852.2, NM_001364320.2); c.4318C>T, p.Arg1440Cys (NM_001363854.2, NM_001364319.2); c.4552C>T, p.Arg1518Cys (NM_001364318.2); c.4468C>T, p.Arg1490Cys (NM_001369901.1, NM_001369902.1); c.4459C>T, p.Arg1487Cys (NM_001369903.1, NM_014662.6); short protein forms R1509C, R1418C, R1487C, R1496C, R1440C, R1490C, R1518C.
Identifiers: ClinVar variation 4740515 (VCV004740515.1).